The following is an entry in ClinVar:

NM_172107.4(KCNQ2):c.2265C>T (p.Tyr755=)

Gene: KCNQ2 (potassium voltage-gated channel subfamily Q member 2; minus strand). Cytogenetic location: 20q13.33.
Variant type: single nucleotide variant.
Coding change: c.2265C>T on transcript NM_172107.4 (MANE Select); coding-DNA position 2265, C replaced by T.
Protein change: p.Tyr755=; no amino-acid change (tyrosine 755 retained).
Molecular consequence: synonymous variant.
Genome position (GRCh38, 1-based): chr20:63,406,998, G>A on the plus strand (C>T on the coding strand, the complement: KCNQ2 is on the minus strand). VCF-style: chr20-63406998-G-A. GRCh37 (hg19) VCF-style: chr20-62038351-G-A.
Other names: c.2181C>T, p.Tyr727= (NM_004518.6); c.2211C>T, p.Tyr737= (NM_172106.3); c.2172C>T, p.Tyr724= (NM_172108.5); c.2265C>T (NM_172107.3).
Identifiers: ClinVar variation 516131 (VCV000516131.17), dbSNP rs563437123, ClinGen allele CA9958111.
Genomic context (GRCh38, chr20:63,406,998, plus strand): 5'-CCTGCAGCCCGGGGTGTCCTCCTGCCGCAGGAACTCCATGCTGGCGCGGTTGCCCCCGCC[G>A]TAGGCGGACAGCGACCGCTCGTGGGCAGGCGGCGGCGGGATGCGCACCAGGGAGCCGTGG-3'
Protein context (NP_742105.1, residues 745-765): PPAHERSLSA[Tyr755=]GGGNRASMEF

ClinVar aggregate classification (germline): Likely benign. Review status: criteria provided, multiple submitters, no conflicts (2 of 4 stars). 5 submissions from 5 submitters: Likely benign (4). 1 of the submissions does not count toward it. Last evaluated 2026-01-07.

Conditions:
Early-infantile DEE. Also called: Ohtahara syndrome; Early infantile epileptic encephalopathy with suppression bursts; Early infantile epileptic encephalopathy. Identifiers: Orphanet 1934, MedGen C0393706, MONDO:0800491.
Inborn genetic diseases. Identifiers: MedGen C0950123, MeSH D030342.
KCNQ2-Related Disorders. Also called: KCNQ2-related disorder; KCNQ2-related condition. Identifiers: MedGen CN169299.

Allele frequency attached by ClinVar (database versions not stated): gnomAD exomes 0.00004 and 0.00008; TOPMed 0.00006; gnomAD 0.00011; ExAC 0.00012; 1000 Genomes Project 0.00020; 1000 Genomes Project 30x 0.00031.
gnomAD v4.1: 75 of 1,540,298 alleles (0.0049%); highest among the groups gnomAD compares: African/African-American, 0.018%; no homozygotes.

Submissions (5):

Labcorp Genetics (formerly Invitae), Labcorp
Classification: Likely benign for Early-infantile DEE. Last evaluated: 2026-01-07. Review status: criteria provided, single submitter. Criteria: Invitae Variant Classification Sherloc (09022015). Collection method: clinical testing. Allele origin: germline.

Blueprint Genetics
Classification: Likely benign. Last evaluated: 2022-06-28. Review status: criteria provided, single submitter. Criteria: ACMG Guidelines, 2015. Collection method: clinical testing. Allele origin: germline.

Ambry Genetics
Classification: Likely benign for Inborn genetic diseases. Last evaluated: 2019-06-29. Review status: criteria provided, single submitter. Criteria: Ambry Variant Classification Scheme 2023. Collection method: clinical testing. Allele origin: germline.

GeneDx
Classification: Likely benign. Last evaluated: 2019-05-28. Review status: criteria provided, single submitter. Criteria: GeneDx Variant Classification Process June 2021. Collection method: clinical testing. Allele origin: germline. Affected: yes.

PreventionGenetics, part of Exact Sciences
Classification: Likely benign for KCNQ2-related condition. Last evaluated: 2021-09-30. Review status: no assertion criteria provided. Collection method: clinical testing. Allele origin: germline. Not counted in ClinVar's aggregate classification.
Comment: This variant is classified as likely benign based on ACMG/AMP sequence variant interpretation guidelines (Richards et al. 2015 PMID: 25741868, with internal and published modifications).